The following is an entry in ClinVar:

ClinVar aggregate classification (germline): Likely pathogenic (1 of 4 stars; one submission).

gnomAD v4.1: 1 of 1,538,410 alleles (0.000065%); no homozygotes.

Submission:

GeneDx
Classification: Likely pathogenic. Last evaluated: 2024-11-25. Review status: criteria provided, single submitter. Criteria: GeneDx Variant Classification Process June 2021. Collection method: clinical testing. Allele origin: germline. Affected: yes.
Comment: Not observed at significant frequency in large population cohorts (gnomAD); In silico analysis indicates that this missense variant does not alter protein structure/function; Has not been previously published as pathogenic or benign to our knowledge

NM_001190737.2(NFIB):c.1331G>A (p.Arg444Gln)

Gene: NFIB (nuclear factor I B; minus strand). Cytogenetic location: 9p23.
Variant type: single nucleotide variant.
Coding change: c.1331G>A on transcript NM_001190737.2 (MANE Select); coding-DNA position 1331, G replaced by A.
Protein change: p.Arg444Gln; replaces arginine 444 with glutamine.
Molecular consequence: missense variant. On other transcripts: intron variant (18).
Genome position (GRCh38, 1-based): chr9:14,116,261, C>T on the plus strand (G>A on the coding strand, the complement: NFIB is on the minus strand). VCF-style: chr9-14116261-C-T. GRCh37 (hg19) VCF-style: chr9-14116260-C-T.
Other names: c.575G>A, p.Arg192Gln (NM_001282787.2); c.1397G>A, p.Arg466Gln (NM_001369458.1, NM_001369459.1); c.1319G>A, p.Arg440Gln (NM_001369460.1, NM_001369463.1); c.1331G>A, p.Arg444Gln (NM_001369461.1, NM_001429577.1); c.1304G>A, p.Arg435Gln (NM_001369465.1); c.1094G>A, p.Arg365Gln (NM_001369470.1); c.1245+4179G>A (NM_005596.3, NM_001369464.1); c.1311+4179G>A (NM_001369468.1, NM_001369462.1); and 11 more; short protein forms R192Q, R365Q, R435Q, R440Q, R444Q, R466Q.
Identifiers: ClinVar variation 3900512 (VCV003900512.1).
Genomic context (GRCh38, chr9:14,116,261, plus strand): 5'-GCCTCACCTTCAGTGGATGTAGTGATGGGTTTAGTATCTGTCATGCTCAGGGTCACAGGT[C>T]GCACTGCACTGGGATGGGGAGAGGGTGCCAAGACAGGAGTGAAATGGCCAGGCACTTTCC-3'
Protein context (NP_001177666.1, residues 434-454): LAPSPHPSAV[Arg444Gln]PVTLSMTDTK